The following is an entry in ClinVar:

NM_000891.3(KCNJ2):c.97G>A (p.Gly33Arg)

Gene: KCNJ2 (potassium inwardly rectifying channel subfamily J member 2; plus strand). Cytogenetic location: 17q24.3.
Variant type: single nucleotide variant.
Coding change: c.97G>A on transcript NM_000891.3 (MANE Select); coding-DNA position 97, G replaced by A.
Protein change: p.Gly33Arg; replaces glycine 33 with arginine.
Molecular consequence: missense variant.
Genome position (GRCh38, 1-based): chr17:70,175,136, G>A. VCF-style: chr17-70175136-G-A. GRCh37 (hg19) VCF-style: chr17-68171277-G-A.
Other names: short protein forms G33R.
Identifiers: ClinVar variation 1163708 (VCV001163708.6), dbSNP rs375727662, ClinGen allele CA400859855.

ClinVar aggregate classification (germline): Uncertain significance. Review status: criteria provided, multiple submitters, no conflicts (2 of 4 stars). 2 submissions from 2 submitters: Uncertain significance (2). Last evaluated 2024-10-29.

Conditions:
Andersen Tawil syndrome (LQT7). Also called: Potassium-sensitive periodic paralysis, ventricular ectopy, and dysmorphic features; LONG QT SYNDROME 7; PERIODIC PARALYSIS, POTASSIUM-SENSITIVE CARDIODYSRHYTHMIC TYPE; ANDERSEN CARDIODYSRHYTHMIC PERIODIC PARALYSIS; Andersen Syndrome. Identifiers: Orphanet 37553, MedGen C1563715, MONDO:0008222, OMIM 170390.
Short QT syndrome type 3. Identifiers: Orphanet 51083, MedGen C1865018, MONDO:0012314, OMIM 609622.

Allele frequency attached by ClinVar (database versions not stated): gnomAD exomes below 0.00001.

Submissions (2):

Labcorp Genetics (formerly Invitae), Labcorp
Classification: Uncertain significance for Short QT syndrome type 3; Andersen Tawil syndrome. Last evaluated: 2024-10-29. Review status: criteria provided, single submitter. Criteria: Invitae Variant Classification Sherloc (09022015). Collection method: clinical testing. Allele origin: germline.
Comment: This sequence change replaces glycine, which is neutral and non-polar, with arginine, which is basic and polar, at codon 33 of the KCNJ2 protein (p.Gly33Arg). This variant is present in population databases (no rsID available, gnomAD 0.0009%). This variant has not been reported in the literature in individuals affected with KCNJ2-related conditions. ClinVar contains an entry for this variant (Variation ID: 1163708). Invitae Evidence Modeling of protein sequence and biophysical properties (such as structural, functional, and spatial information, amino acid conservation, physicochemical variation, residue mobility, and thermodynamic stability) indicates that this missense variant is not expected to disrupt KCNJ2 protein function with a negative predictive value of 95%. In summary, the available evidence is currently insufficient to determine the role of this variant in disease. Therefore, it has been classified as a Variant of Uncertain Significance.

Mayo Clinic Laboratories, Mayo Clinic
Classification: Uncertain significance. Last evaluated: 2020-03-19. Review status: criteria provided, single submitter. Criteria: ACMG Guidelines, 2015. Collection method: clinical testing. Allele origin: germline. Observed: 1 variant allele.